The following is an entry in ClinVar:

ClinVar aggregate classification (germline): Benign/Likely benign. Review status: criteria provided, multiple submitters, no conflicts (2 of 4 stars). 11 submissions from 10 submitters: Benign (9); Likely benign (2). Last evaluated 2026-01-27.

Conditions:
MYH9-related disorder. Identifiers: MedGen C1854520.
Macrothrombocytopenia and granulocyte inclusions with or without nephritis or sensorineural hearing loss (MATINS). Also called: MYH9-Related Disease (MYH9-RD); BLEEDING DISORDER, PLATELET-TYPE, 6; MAY-HEGGLIN ANOMALY; DOHLE LEUKOCYTE INCLUSIONS WITH GIANT PLATELETS; MACROTHROMBOCYTOPENIA WITH LEUKOCYTE INCLUSIONS; SEBASTIAN PLATELET SYNDROME. Identifiers: Orphanet 182050, MedGen C5200934, MONDO:0015912, OMIM 155100.
Autosomal dominant nonsyndromic hearing loss 17. Also called: Autosomal dominant nonsyndromic deafness 17; Deafness, autosomal dominant 17. Identifiers: Orphanet 90635, MedGen C1863659, MONDO:0011350, OMIM 603622.
Kidney disorder. Also called: renal disorder; renal disease; Nephropathy; Kidney disease; Kidney Diseases. Identifiers: MedGen C0022658, MONDO:0005240, HP:0000112.

Allele frequency attached by ClinVar (database versions not stated): gnomAD exomes 0.00244; ExAC 0.00271; ESP Exome Variant Server 0.00654; gnomAD 0.00681 and 0.00736; TOPMed 0.00794; 1000 Genomes Project 30x 0.00968; 1000 Genomes Project 0.00998.
gnomAD v4.1: 2,566 of 1,611,984 alleles (0.16%); highest among the groups gnomAD compares: African/African-American, 2.2%; 33 homozygotes.

Submissions (11):

Labcorp Genetics (formerly Invitae), Labcorp
Classification: Benign. Last evaluated: 2026-01-27. Review status: criteria provided, single submitter. Criteria: Invitae Variant Classification Sherloc (09022015). Collection method: clinical testing. Allele origin: germline.

Mayo Clinic Laboratories, Mayo Clinic
Classification: Benign. Last evaluated: 2024-05-23. Review status: criteria provided, single submitter. Criteria: ACMG Guidelines, 2015. Collection method: clinical testing. Allele origin: germline. Observed: 6 variant alleles.
Comment: BS1, BS2, BP4, BP7

Fulgent Genetics
Classification: Likely benign for Macrothrombocytopenia and granulocyte inclusions with or without nephritis or sensorineural hearing loss; Autosomal dominant nonsyndromic hearing loss 17. Last evaluated: 2021-09-28. Review status: criteria provided, single submitter. Criteria: ACMG Guidelines, 2015. Collection method: clinical testing. Allele origin: unknown.

Genome Diagnostics Laboratory, The Hospital for Sick Children
Classification: Likely benign for Kidney disorder. Last evaluated: 2020-03-01. Review status: criteria provided, single submitter. Criteria: ACMG Guidelines, 2015. Collection method: clinical testing. Allele origin: germline.

GeneDx
Classification: Benign. Last evaluated: 2018-05-04. Review status: criteria provided, single submitter. Criteria: GeneDx Variant Classification (06012015). Collection method: clinical testing. Allele origin: germline. Affected: yes.
Comment: This variant is considered likely benign or benign based on one or more of the following criteria: it is a conservative change, it occurs at a poorly conserved position in the protein, it is predicted to be benign by multiple in silico algorithms, and/or has population frequency not consistent with disease.

Illumina Laboratory Services, Illumina
Classification: Benign for MYH9-related disorder. Last evaluated: 2018-01-13. Review status: criteria provided, single submitter. Criteria: ICSL Variant Classification Criteria 13 December 2019. Collection method: clinical testing. Allele origin: germline.
Comment: This variant was observed in the ICSL laboratory as part of a predisposition screen in an ostensibly healthy population. It had not been previously curated by ICSL or reported in the Human Gene Mutation Database (HGMD: prior to June 1st, 2018), and was therefore a candidate for classification through an automated scoring system. Utilizing variant allele frequency, disease prevalence and penetrance estimates, and inheritance mode, an automated score was calculated to assess if this variant is too frequent to cause the disease. Based on the score and internal cut-off values, a variant classified as benign is not then subjected to further curation. The score for this variant resulted in a classification of benign for this disease.

Illumina Laboratory Services, Illumina
Classification: Benign for Autosomal dominant nonsyndromic hearing loss 17. Last evaluated: 2018-01-13. Review status: criteria provided, single submitter. Criteria: ICSL Variant Classification Criteria 13 December 2019. Collection method: clinical testing. Allele origin: germline.
Comment: the same text as in the submission from Illumina Laboratory Services, Illumina above.

Genetic Services Laboratory, University of Chicago
Classification: Benign. Last evaluated: 2017-09-15. Review status: criteria provided, single submitter. Criteria: ACMG Guidelines, 2015. Collection method: clinical testing. Allele origin: germline. Affected: no.

Laboratory for Molecular Medicine, Mass General Brigham Personalized Medicine
Classification: Benign. Last evaluated: 2012-04-30. Review status: criteria provided, single submitter. Criteria: LMM Criteria. Collection method: clinical testing. Allele origin: germline. Observed: 7 variant alleles.
Comment: 1729-6C>T in Intron 14 of MYH9: This variant is not expected to have clinical si gnificance because it has been identified in 1.7% (65/3738) of African American chromosomes from a broad population by the NHLBI Exome Sequencing Project (dbSNP rs9622375).

Breakthrough Genomics
Classification: Benign. Review status: criteria provided, single submitter. Criteria: ACMG Guidelines, 2015. Collection method: not provided. Allele origin: germline. Inheritance: Autosomal dominant inheritance. Affected: yes.

PreventionGenetics, part of Exact Sciences
Classification: Benign. Review status: criteria provided, single submitter. Criteria: ACMG Guidelines, 2015. Collection method: clinical testing. Allele origin: germline.

NM_002473.6(MYH9):c.1729-6C>T

Gene: MYH9 (myosin heavy chain 9; minus strand). Cytogenetic location: 22q12.3.
Variant type: single nucleotide variant.
Coding change: c.1729-6C>T on transcript NM_002473.6 (MANE Select); 6 bases into the intron before coding-DNA position 1729, C replaced by T.
Molecular consequence: intron variant.
Genome position (GRCh38, 1-based): chr22:36,309,402, G>A on the plus strand (C>T on the coding strand, the complement: MYH9 is on the minus strand). VCF-style: chr22-36309402-G-A. GRCh37 (hg19) VCF-style: chr22-36705447-G-A.
Other names: p.?.
Identifiers: ClinVar variation 44552 (VCV000044552.29), dbSNP rs9622375, ClinGen allele CA134514.
Genomic context (GRCh38, chr22:36,309,402, plus strand): 5'-TGTCATTCAGGGGATCCATGTTCTTCATCAGCCACTCGTCAGCTTTGTAATCCACCTGGC[G>A]GGGTCAGAGAGGCAGGAGTCACAAGCTGCGCTGGGGACATGTGTGCTCACAGGGTCTCCG-3'